The following is an entry in ClinVar:

ClinVar aggregate classification (germline): Likely benign. Review status: reviewed by expert panel (3 of 4 stars). 7 submissions from 7 submitters: Likely benign (1). 6 of the submissions do not count toward it. Last evaluated 2017-06-29.

Conditions:
Hereditary cancer-predisposing syndrome. Also called: Tumor predisposition; Neoplastic Syndromes, Hereditary; Hereditary Cancer Syndrome; Hereditary neoplastic syndrome. Identifiers: Orphanet 140162, MedGen C0027672, MeSH D009386, MONDO:0015356.
Hereditary breast ovarian cancer syndrome. Also called: Hereditary breast and ovarian cancer; Hereditary breast and ovarian cancer syndrome (HBOC); Hereditary breast and/or ovarian cancer syndrome; Breast and ovarian cancer; Hereditary breast and ovarian cancer syndrome; BRCA1- and BRCA2-Associated Hereditary Breast and Ovarian Cancer. Identifiers: Orphanet 145, MedGen C0677776, MeSH D061325, MONDO:0003582. Disease mechanism: loss of function.
Breast-ovarian cancer, familial, susceptibility to, 2 (BROVCA2). Also called: BRCA2 Hereditary Breast and Ovarian Cancer. Identifiers: Orphanet 145, MedGen C2675520, MONDO:0012933, OMIM 612555. Disease mechanism: loss of function.

Allele frequency attached by ClinVar (database versions not stated): gnomAD exomes below 0.00001; gnomAD 0.00001.

Submissions (7):

Evidence-based Network for the Interpretation of Germline Mutant Alleles (ENIGMA)
Classification: Likely benign for Breast-ovarian cancer, familial, susceptibility to, 2. Last evaluated: 2017-06-29. Review status: reviewed by expert panel. Criteria: ENIGMA BRCA1/2 Classification Criteria (2017-06-29). Collection method: curation. Allele origin: germline.
Comment: Synonymous substitution variant, with low bioinformatic likelihood to result in a splicing aberration (Splicing prior probability 0.02).

Labcorp Genetics (formerly Invitae), Labcorp
Classification: Likely benign for Hereditary breast ovarian cancer syndrome. Last evaluated: 2024-12-23. Review status: criteria provided, single submitter. Criteria: Invitae Variant Classification Sherloc (09022015). Collection method: clinical testing. Allele origin: germline. Not counted in ClinVar's aggregate classification.

Quest Diagnostics Nichols Institute San Juan Capistrano
Classification: Likely benign. Last evaluated: 2023-03-23. Review status: criteria provided, single submitter. Criteria: Quest Diagnostics criteria. Collection method: clinical testing. Allele origin: unknown. Not counted in ClinVar's aggregate classification.

Ambry Genetics
Classification: Likely benign for Hereditary cancer-predisposing syndrome. Last evaluated: 2021-05-21. Review status: criteria provided, single submitter. Criteria: Ambry Variant Classification Scheme 2023. Collection method: clinical testing. Allele origin: germline. Not counted in ClinVar's aggregate classification.

Color Diagnostics, LLC DBA Color Health
Classification: Likely benign for Hereditary cancer-predisposing syndrome. Last evaluated: 2020-04-13. Review status: criteria provided, single submitter. Criteria: ACMG Guidelines, 2015. Collection method: clinical testing. Allele origin: germline. Not counted in ClinVar's aggregate classification.

Diagnostic Laboratory, Department of Genetics, University Medical Center Groningen
Classification: Likely benign. Review status: no assertion criteria provided. Collection method: clinical testing. Allele origin: germline. Affected: yes. Study: VKGL Data-share Consensus. Not counted in ClinVar's aggregate classification.

Joint Genome Diagnostic Labs from Nijmegen and Maastricht, Radboudumc and MUMC+
Classification: Likely benign. Review status: no assertion criteria provided. Collection method: clinical testing. Allele origin: germline. Affected: yes. Study: VKGL Data-share Consensus. Not counted in ClinVar's aggregate classification.

NM_000059.4(BRCA2):c.1392G>A (p.Val464=)

Gene: BRCA2 (BRCA2 DNA repair associated; plus strand). Cytogenetic location: 13q13.1.
Variant type: single nucleotide variant.
Coding change: c.1392G>A on transcript NM_000059.4 (MANE Select); coding-DNA position 1392, G replaced by A.
Protein change: p.Val464=; no amino-acid change (valine 464 retained).
Molecular consequence: synonymous variant.
Genome position (GRCh38, 1-based): chr13:32,332,870, G>A. VCF-style: chr13-32332870-G-A. GRCh37 (hg19) VCF-style: chr13-32907007-G-A.
Identifiers: ClinVar variation 415658 (VCV000415658.19), dbSNP rs1060504613, ClinGen allele CA16614108.